The following is an entry in ClinVar:

NM_015041.3(CLUAP1):c.695A>G (p.Glu232Gly)

Gene: CLUAP1 (clusterin associated protein 1; plus strand). Cytogenetic location: 16p13.3.
Variant type: single nucleotide variant.
Coding change: c.695A>G on transcript NM_015041.3 (MANE Select); coding-DNA position 695, A replaced by G.
Protein change: p.Glu232Gly; replaces glutamic acid 232 with glycine.
Molecular consequence: missense variant.
Genome position (GRCh38, 1-based): chr16:3,520,018, A>G. VCF-style: chr16-3520018-A-G. GRCh37 (hg19) VCF-style: chr16-3570018-A-G.
Other names: c.695A>G, p.Glu232Gly (NM_001330454.2); c.197A>G, p.Glu66Gly (NM_024793.3); short protein forms E232G, E66G.
Identifiers: ClinVar variation 2852823 (VCV002852823.3), dbSNP rs773096038, ClinGen allele CA7863820.

ClinVar aggregate classification (germline): Uncertain significance (1 of 4 stars; one submission).

Allele frequency attached by ClinVar (database versions not stated): gnomAD exomes below 0.00001; ExAC 0.00001; gnomAD 0.00002; TOPMed 0.00003.
gnomAD v4.1: 4 of 1,611,808 alleles (0.00025%); highest among the groups gnomAD compares: African/African-American, 0.0054%; no homozygotes.

Submission:

Labcorp Genetics (formerly Invitae), Labcorp
Classification: Uncertain significance. Last evaluated: 2023-11-21. Review status: criteria provided, single submitter. Criteria: Invitae Variant Classification Sherloc (09022015). Collection method: clinical testing. Allele origin: germline.
Comment: This sequence change replaces glutamic acid, which is acidic and polar, with glycine, which is neutral and non-polar, at codon 232 of the CLUAP1 protein (p.Glu232Gly). This variant is present in population databases (rs773096038, gnomAD 0.01%). This variant has not been reported in the literature in individuals affected with CLUAP1-related conditions. Advanced modeling of protein sequence and biophysical properties (such as structural, functional, and spatial information, amino acid conservation, physicochemical variation, residue mobility, and thermodynamic stability) performed at Invitae indicates that this missense variant is not expected to disrupt CLUAP1 protein function with a negative predictive value of 80%. In summary, the available evidence is currently insufficient to determine the role of this variant in disease. Therefore, it has been classified as a Variant of Uncertain Significance.